The following is an entry in ClinVar:

ClinVar aggregate classification (germline): Uncertain significance (1 of 4 stars; one submission).

Conditions:
Gastrointestinal stromal tumor. Also called: Gastrointestinal stromal tumor, somatic; Gastrointestinal stroma tumor. Identifiers: Orphanet 44890, MedGen C0238198, MeSH D046152, MONDO:0011719, OMIM 606764, HP:0100723.

Submission:

Labcorp Genetics (formerly Invitae), Labcorp
Classification: Uncertain significance for Gastrointestinal stromal tumor. Last evaluated: 2023-09-30. Review status: criteria provided, single submitter. Criteria: Invitae Variant Classification Sherloc (09022015). Collection method: clinical testing. Allele origin: germline.
Comment: In summary, the available evidence is currently insufficient to determine the role of this variant in disease. Therefore, it has been classified as a Variant of Uncertain Significance. An algorithm developed to predict the effect of missense changes on protein structure and function (PolyPhen-2) suggests that this variant is likely to be tolerated. ClinVar contains an entry for this variant (Variation ID: 863521). This variant has not been reported in the literature in individuals affected with KIT-related conditions. This variant is not present in population databases (gnomAD no frequency). This sequence change replaces isoleucine, which is neutral and non-polar, with leucine, which is neutral and non-polar, at codon 662 of the KIT protein (p.Ile662Leu).

NM_000222.3(KIT):c.1984A>C (p.Ile662Leu)

Gene: KIT (KIT proto-oncogene, receptor tyrosine kinase; plus strand). Cytogenetic location: 4q12.
Variant type: single nucleotide variant.
Coding change: c.1984A>C on transcript NM_000222.3 (MANE Select); coding-DNA position 1984, A replaced by C.
Protein change: p.Ile662Leu; replaces isoleucine 662 with leucine.
Molecular consequence: missense variant.
Genome position (GRCh38, 1-based): chr4:54,728,115, A>C. VCF-style: chr4-54728115-A-C. GRCh37 (hg19) VCF-style: chr4-55594281-A-C.
Other names: c.1987A>C, p.Ile663Leu (NM_001385290.1, NM_001385284.1); c.1975A>C, p.Ile659Leu (NM_001385292.1, NM_001385288.1); c.1972A>C, p.Ile658Leu (NM_001093772.2, NM_001385286.1); c.1984A>C, p.Ile662Leu (NM_001385285.1); short protein forms I658L, I662L, I659L, I663L.
Identifiers: ClinVar variation 863521 (VCV000863521.10), dbSNP rs1439996385, ClinGen allele CA356908791.